The following is an entry in ClinVar:

NM_001034853.2(RPGR):c.2872del (p.Glu958fs)

Gene: RPGR (retinitis pigmentosa GTPase regulator; minus strand). Cytogenetic location: Xp11.4.
Variant type: Deletion.
Coding change: c.2872del on transcript NM_001034853.2 (MANE Select); coding-DNA position 2872, one base deleted (G; older notation c.2872delG).
Protein change: p.Glu958fs; shifts the reading frame from glutamic acid 958.
Molecular consequence: frameshift variant. On other transcripts: intron variant (8).
Genome position (GRCh38, 1-based): chrX:38,286,127, C deleted on the plus strand (G on the coding strand, the reverse complement: RPGR is on the minus strand); the first of 5 consecutive C bases (chrX:38,286,127-38,286,131); deleting any one gives the same sequence. VCF-style (leftmost placement, unchanged base first): chrX-38286126-TC-T. GRCh37 (hg19) VCF-style: chrX-38145379-TC-T.
Other names: c.1569+4832del (NM_001367249.1, NM_001367250.1); c.1902+967del (NM_001367245.1); c.1386+4832del (NM_001367251.1); c.1719+967del (NM_001367246.1); c.1572+4832del (NM_001367247.1); c.1905+967del (NM_000328.3); c.1602+4832del (NM_001367248.1); short protein forms E958fs.
Identifiers: ClinVar variation 3382894 (VCV003382894.4).

ClinVar aggregate classification (germline): Pathogenic/Likely pathogenic. Review status: criteria provided, multiple submitters, no conflicts (2 of 4 stars). 2 submissions from 2 submitters: Pathogenic (1); Likely pathogenic (1). Last evaluated 2024-04-13.

Conditions:
Retinitis pigmentosa, X-linked, and sinorespiratory infections, with or without deafness (RPSRDF). Identifiers: Orphanet 247522, MedGen C2749137, OMIM 300455.
Macular degeneration, X-linked atrophic. Identifiers: Orphanet 1872, MedGen C3151784, MONDO:0010443, OMIM 300834.
Retinitis pigmentosa 3. Also called: CHOROIDORETINAL DEGENERATION WITH RETINAL REFLEX IN HETEROZYGOUS WOMEN. Identifiers: Orphanet 791, MedGen C1845667, MONDO:0010227, OMIM 300029.
X-linked cone-rod dystrophy 1 (CORDX1). Identifiers: Orphanet 1872, MedGen C1844776, MONDO:0010566, OMIM 304020.
Primary ciliary dyskinesia. Also called: Ciliary dyskinesia. Identifiers: Orphanet 244, MedGen C0008780, MONDO:0016575, HP:0012265.

Submissions (2):

Labcorp Genetics (formerly Invitae), Labcorp
Classification: Pathogenic for Primary ciliary dyskinesia. Last evaluated: 2024-04-13. Review status: criteria provided, single submitter. Criteria: Invitae Variant Classification Sherloc (09022015). Collection method: clinical testing. Allele origin: germline.
Comment: This sequence change creates a premature translational stop signal (p.Glu958Lysfs*131) in the RPGR (ORF15) gene. While this is not anticipated to result in nonsense mediated decay, it is expected to disrupt the last 195 amino acid(s) of the RPGR (ORF15) protein. The frequency data for this variant in the population databases is considered unreliable, as metrics indicate insufficient coverage at this position in the gnomAD database. This variant has not been reported in the literature in individuals affected with RPGR (ORF15)-related conditions. This variant disrupts a region of the RPGR (ORF15) protein in which other variant(s) (p.Leu1130Lysfs*13) have been determined to be pathogenic (PMID: 22264887). This suggests that this is a clinically significant region of the protein, and that variants that disrupt it are likely to be disease-causing. For these reasons, this variant has been classified as Pathogenic.

Juno Genomics, Hangzhou Juno Genomics, Inc
Classification: Likely pathogenic for X-linked cone-rod dystrophy 1; Macular degeneration, X-linked atrophic; Retinitis pigmentosa 3; Retinitis pigmentosa, X-linked, and sinorespiratory infections, with or without deafness. Review status: criteria provided, single submitter. Criteria: ACMG Guidelines, 2015. Collection method: clinical testing. Allele origin: germline. Affected: yes.
Comment: Null variant in a gene where loss of function (LOF) is a known mechanism of disease.;Absent from controls (or at extremely low frequency if recessive) in Genome Aggregation Database, Exome Sequencing Project, 1000 Genomes Project, or Exome Aggregation Consortium.;Patient's phenotype or family history is highly specific for a disease with a single genetic etiology.

Literature cited by the submitters: PubMed 22264887 (cited by Labcorp Genetics (formerly Invitae), Labcorp).